The following is an entry in ClinVar:

ClinVar aggregate classification (germline): Uncertain significance (1 of 4 stars; one submission).

Allele frequency attached by ClinVar (database versions not stated): gnomAD 0.00001; TOPMed 0.00001; ExAC 0.00002; gnomAD exomes 0.00003.
gnomAD v4.1: 39 of 1,601,226 alleles (0.0024%); highest among the groups gnomAD compares: Non-Finnish European, 0.0031%; no homozygotes.

Submission:

GeneDx
Classification: Uncertain significance. Last evaluated: 2022-11-30. Review status: criteria provided, single submitter. Criteria: GeneDx Variant Classification Process June 2021. Collection method: clinical testing. Allele origin: germline. Affected: yes.
Comment: In silico analysis supports that this missense variant does not alter protein structure/function; Has not been previously published as pathogenic or benign to our knowledge

NM_173689.7(CRB2):c.784G>A (p.Glu262Lys)

Gene: CRB2 (crumbs cell polarity complex component 2; plus strand). Cytogenetic location: 9q33.3.
Variant type: single nucleotide variant.
Coding change: c.784G>A on transcript NM_173689.7 (MANE Select); coding-DNA position 784, G replaced by A.
Protein change: p.Glu262Lys; replaces glutamic acid 262 with lysine.
Molecular consequence: missense variant.
Genome position (GRCh38, 1-based): chr9:123,367,201, G>A. VCF-style: chr9-123367201-G-A. GRCh37 (hg19) VCF-style: chr9-126129480-G-A.
Other names: short protein forms E262K.
Identifiers: ClinVar variation 2504502 (VCV002504502.1), dbSNP rs750735887, ClinGen allele CA5231799.
Genomic context (GRCh38, chr9:123,367,201, plus strand): 5'-AGACCTGATGTCCGCGTGTGTGTGCCCCCAGGCTACAGCGGCGAGCTGTGCGAGGTGGAC[G>A]AGGACGAGTGTGCATCGAGCCCCTGCCAGCATGGGGGCCGATGCCTGCAGCGCTCTGACC-3'
Protein context (NP_775960.4, residues 252-272): GYSGELCEVD[Glu262Lys]DECASSPCQH